The following is an entry in ClinVar:

ClinVar aggregate classification (germline): Uncertain significance (1 of 4 stars; one submission).

Conditions:
Fanconi anemia complementation group E (FANCE). Also called: FANCE-Related Fanconi Anemia. Identifiers: Orphanet 84, MedGen C3160739, MONDO:0010953, OMIM 600901.

Allele frequency attached by ClinVar (database versions not stated): gnomAD exomes below 0.00001.
gnomAD v4.1: 1 of 1,613,582 alleles (0.000062%); highest among the groups gnomAD compares: Admixed American, 0.0017%; no homozygotes.

Submission:

Labcorp Genetics (formerly Invitae), Labcorp
Classification: Uncertain significance for Fanconi anemia complementation group E. Last evaluated: 2022-11-18. Review status: criteria provided, single submitter. Criteria: Invitae Variant Classification Sherloc (09022015). Collection method: clinical testing. Allele origin: germline.
Comment: This variant is present in population databases (no rsID available, gnomAD 0.003%). In summary, the available evidence is currently insufficient to determine the role of this variant in disease. Therefore, it has been classified as a Variant of Uncertain Significance. Algorithms developed to predict the effect of sequence changes on RNA splicing suggest that this variant may disrupt the consensus splice site. This variant has not been reported in the literature in individuals affected with FANCE-related conditions. This sequence change falls in intron 4 of the FANCE gene. It does not directly change the encoded amino acid sequence of the FANCE protein.

NM_021922.3(FANCE):c.970-6A>G

Gene: FANCE (FA complementation group E; plus strand). Cytogenetic location: 6p21.31.
Variant type: single nucleotide variant.
Coding change: c.970-6A>G on transcript NM_021922.3 (MANE Select); 6 bases into the intron before coding-DNA position 970, A replaced by G.
Molecular consequence: intron variant.
Genome position (GRCh38, 1-based): chr6:35,458,291, A>G. VCF-style: chr6-35458291-A-G. GRCh37 (hg19) VCF-style: chr6-35426068-A-G.
Other names: c.970-6A>G (NM_001410876.1).
Identifiers: ClinVar variation 2888107 (VCV002888107.3), dbSNP rs1206121566, ClinGen allele CA566491627.